The following is an entry in ClinVar:

NM_015046.7(SETX):c.7001G>A (p.Arg2334Lys)

Gene: SETX (senataxin; minus strand). Cytogenetic location: 9q34.13.
Variant type: single nucleotide variant.
Coding change: c.7001G>A on transcript NM_015046.7 (MANE Select); coding-DNA position 7001, G replaced by A.
Protein change: p.Arg2334Lys; replaces arginine 2334 with lysine.
Molecular consequence: missense variant.
Genome position (GRCh38, 1-based): chr9:132,275,355, C>T on the plus strand (G>A on the coding strand, the complement: SETX is on the minus strand). VCF-style: chr9-132275355-C-T. GRCh37 (hg19) VCF-style: chr9-135150742-C-T.
Other names: c.7001G>A, p.Arg2334Lys (NM_001351527.2, NM_001351528.2); short protein forms R2334K.
Identifiers: ClinVar variation 4791839 (VCV004791839.1).

ClinVar aggregate classification (germline): Uncertain significance (1 of 4 stars; one submission).

Conditions:
Spinocerebellar ataxia, autosomal recessive, with axonal neuropathy 2 (SCAN2). Also called: ATAXIA-OCULOMOTOR APRAXIA 2; Ataxia-ocular apraxia-2; Ataxia with Oculomotor Apraxia; Ataxia with Oculomotor Apraxia Type 2. Identifiers: Orphanet 64753, MedGen C1853761, MONDO:0018996, OMIM 606002.
Amyotrophic lateral sclerosis type 4 (ALS4). Also called: AMYOTROPHIC LATERAL SCLEROSIS 4, JUVENILE; NEURONOPATHY, DISTAL HEREDITARY MOTOR, WITH PYRAMIDAL FEATURES. Identifiers: Orphanet 357043, MedGen C1865409, MONDO:0011223, OMIM 602433.

Submission:

Labcorp Genetics (formerly Invitae), Labcorp
Classification: Uncertain significance for Amyotrophic lateral sclerosis type 4; Spinocerebellar ataxia, autosomal recessive, with axonal neuropathy 2. Last evaluated: 2025-02-15. Review status: criteria provided, single submitter. Criteria: Invitae Variant Classification Sherloc (09022015). Collection method: clinical testing. Allele origin: germline.
Comment: This sequence change replaces arginine, which is basic and polar, with lysine, which is basic and polar, at codon 2334 of the SETX protein (p.Arg2334Lys). This variant is not present in population databases (gnomAD no frequency). This variant has not been reported in the literature in individuals affected with SETX-related conditions. Invitae Evidence Modeling of protein sequence and biophysical properties (such as structural, functional, and spatial information, amino acid conservation, physicochemical variation, residue mobility, and thermodynamic stability) indicates that this missense variant is not expected to disrupt SETX protein function with a negative predictive value of 95%. In summary, the available evidence is currently insufficient to determine the role of this variant in disease. Therefore, it has been classified as a Variant of Uncertain Significance.